The following is an entry in ClinVar:

NM_001371727.1(GABRB2):c.839C>T (p.Thr280Ile)

Gene: GABRB2 (gamma-aminobutyric acid type A receptor subunit beta2; minus strand). Cytogenetic location: 5q34.
Variant type: single nucleotide variant.
Coding change: c.839C>T on transcript NM_001371727.1 (MANE Select); coding-DNA position 839, C replaced by T.
Protein change: p.Thr280Ile; replaces threonine 280 with isoleucine.
Molecular consequence: missense variant.
Genome position (GRCh38, 1-based): chr5:161,331,121, G>A on the plus strand (C>T on the coding strand, the complement: GABRB2 is on the minus strand). VCF-style: chr5-161331121-G-A. GRCh37 (hg19) VCF-style: chr5-160758128-G-A.
Other names: c.839C>T, p.Thr280Ile (NM_000813.3, NM_021911.3); short protein forms T280I.
Identifiers: ClinVar variation 3518192 (VCV003518192.2).

ClinVar aggregate classification (germline): Likely pathogenic (1 of 4 stars; one submission).

Conditions:
Inborn genetic diseases. Identifiers: MedGen C0950123, MeSH D030342.

Submission:

Ambry Genetics
Classification: Likely pathogenic for Inborn genetic diseases. Last evaluated: 2025-03-19. Review status: criteria provided, single submitter. Criteria: Ambry Variant Classification Scheme 2023. Collection method: clinical testing. Allele origin: germline.
Comment: The c.839C>T (p.T280I) alteration is located in exon 9 (coding exon 8) of the GABRB2 gene. This alteration results from a C to T substitution at nucleotide position 839, causing the threonine (T) at amino acid position 280 to be replaced by an isoleucine (I). This variant was not reported in population-based cohorts in the Genome Aggregation Database (gnomAD). This amino acid position is highly conserved in available vertebrate species. This missense alteration is located in a region that has a low rate of benign missense variation (Lek, 2016; Firth, 2009). This alteration is predicted to be deleterious by in silico analysis. Based on the available evidence, this alteration is classified as likely pathogenic.